The following is an entry in ClinVar:

ClinVar aggregate classification (germline): Uncertain significance. Review status: criteria provided, multiple submitters, no conflicts (2 of 4 stars). 3 submissions from 3 submitters: Uncertain significance (3). Last evaluated 2025-08-02.

Conditions:
Inborn genetic diseases. Identifiers: MedGen C0950123, MeSH D030342.
Familial infantile myasthenia (CMS6). Also called: Congenital myasthenic syndrome type 6; MYASTHENIC SYNDROME, PRESYNAPTIC, CONGENITAL, ASSOCIATED WITH EPISODIC APNEA; MYASTHENIC SYNDROME, CONGENITAL, 6, PRESYNAPTIC. Identifiers: Orphanet 590, MedGen C0393929, MONDO:0009689, OMIM 254210.

Allele frequency attached by ClinVar (database versions not stated): TOPMed 0.00002.
gnomAD v4.1: 27 of 1,612,316 alleles (0.0017%); highest among the groups gnomAD compares: African/African-American, 0.0013%; no homozygotes.

Submissions (3):

Ambry Genetics
Classification: Uncertain significance for Inborn genetic diseases. Last evaluated: 2025-08-02. Review status: criteria provided, single submitter. Criteria: Ambry Variant Classification Scheme 2023. Collection method: clinical testing. Allele origin: germline.

Blueprint Genetics
Classification: Uncertain significance. Last evaluated: 2022-03-31. Review status: criteria provided, single submitter. Criteria: ACMG Guidelines, 2015. Collection method: clinical testing. Allele origin: germline.

Labcorp Genetics (formerly Invitae), Labcorp
Classification: Uncertain significance for Familial infantile myasthenia. Last evaluated: 2021-09-04. Review status: criteria provided, single submitter. Criteria: Invitae Variant Classification Sherloc (09022015). Collection method: clinical testing. Allele origin: germline.
Comment: This sequence change replaces arginine with proline at codon 186 of the CHAT protein (p.Arg186Pro). The arginine residue is moderately conserved and there is a moderate physicochemical difference between arginine and proline. This variant is present in population databases (rs747996335, ExAC 0.005%). This variant has not been reported in the literature in individuals affected with CHAT-related conditions. Algorithms developed to predict the effect of missense changes on protein structure and function are either unavailable or do not agree on the potential impact of this missense change (SIFT: "Tolerated"; PolyPhen-2: "Probably Damaging"; Align-GVGD: "Class C15"). In summary, the available evidence is currently insufficient to determine the role of this variant in disease. Therefore, it has been classified as a Variant of Uncertain Significance.

NM_020549.5(CHAT):c.557G>C (p.Arg186Pro)

Gene: CHAT (choline O-acetyltransferase; plus strand). Cytogenetic location: 10q11.23.
Variant type: single nucleotide variant.
Coding change: c.557G>C on transcript NM_020549.5 (MANE Select); coding-DNA position 557, G replaced by C.
Protein change: p.Arg186Pro; replaces arginine 186 with proline.
Molecular consequence: missense variant.
Genome position (GRCh38, 1-based): chr10:49,619,894, G>C. VCF-style: chr10-49619894-G-C. GRCh37 (hg19) VCF-style: chr10-50827940-G-C.
Other names: c.203G>C, p.Arg68Pro (NM_001142929.2, NM_001142934.2, NM_020984.4 and 2 more transcripts); c.311G>C, p.Arg104Pro (NM_001142933.2); short protein forms R68P, R104P, R186P.
Identifiers: ClinVar variation 943325 (VCV000943325.7), dbSNP rs747996335, ClinGen allele CA5497174.